The following is an entry in ClinVar:

NM_001199862.2(KCNAB2):c.*9del

Gene: KCNAB2 (potassium voltage-gated channel subfamily A regulatory beta subunit 2; plus strand). Cytogenetic location: 1p36.31.
Variant type: Deletion.
Coding change: c.*9del on transcript NM_001199862.2 (MANE Select); 9 bases downstream of the stop codon, one base deleted (C; older notation c.*9delC).
Molecular consequence: 3 prime UTR variant.
Genome position (GRCh38, 1-based): chr1:6,098,583, C deleted; the last of 5 consecutive C bases (chr1:6,098,579-6,098,583); deleting any one gives the same sequence. VCF-style (leftmost placement, unchanged base first): chr1-6098578-GC-G. GRCh37 (hg19) VCF-style: chr1-6158638-GC-G.
Other names: c.*9del (NM_001199860.2, NM_001199861.2, NM_001199863.2 and 2 more transcripts).
Identifiers: ClinVar variation 3058628 (VCV003058628.2), dbSNP rs2525264584, ClinGen allele CA2642926923.

ClinVar aggregate classification (germline): Likely benign (0 of 4 stars; one submission).

Conditions:
KCNAB2-related disorder. Also called: KCNAB2-related condition.

Submission:

PreventionGenetics, part of Exact Sciences
Classification: Likely benign for KCNAB2-related condition. Last evaluated: 2019-04-24. Review status: no assertion criteria provided. Collection method: clinical testing. Allele origin: germline.
Comment: This variant is classified as likely benign based on ACMG/AMP sequence variant interpretation guidelines (Richards et al. 2015 PMID: 25741868, with internal and published modifications).